The following is an entry in ClinVar:

ClinVar aggregate classification (germline): Uncertain significance (1 of 4 stars; one submission).

Conditions:
Werner syndrome (WRN). Identifiers: Orphanet 902, MedGen C0043119, MONDO:0010196, OMIM 277700.

Submission:

Labcorp Genetics (formerly Invitae), Labcorp
Classification: Uncertain significance for Werner syndrome. Last evaluated: 2022-07-22. Review status: criteria provided, single submitter. Criteria: Invitae Variant Classification Sherloc (09022015). Collection method: clinical testing. Allele origin: germline.
Comment: Algorithms developed to predict the effect of missense changes on protein structure and function are either unavailable or do not agree on the potential impact of this missense change (SIFT: "Not Available"; PolyPhen-2: "Benign"; Align-GVGD: "Not Available"). This sequence change replaces isoleucine, which is neutral and non-polar, with valine, which is neutral and non-polar, at codon 438 of the WRN protein (p.Ile438Val). This variant is not present in population databases (gnomAD no frequency). This variant has not been reported in the literature in individuals affected with WRN-related conditions. In summary, the available evidence is currently insufficient to determine the role of this variant in disease. Therefore, it has been classified as a Variant of Uncertain Significance.

NM_000553.6(WRN):c.1312A>G (p.Ile438Val)

Gene: WRN (WRN RecQ like helicase; plus strand). Cytogenetic location: 8p12.
Variant type: single nucleotide variant.
Coding change: c.1312A>G on transcript NM_000553.6 (MANE Select); coding-DNA position 1312, A replaced by G.
Protein change: p.Ile438Val; replaces isoleucine 438 with valine.
Molecular consequence: missense variant.
Genome position (GRCh38, 1-based): chr8:31,083,741, A>G. VCF-style: chr8-31083741-A-G. GRCh37 (hg19) VCF-style: chr8-30941257-A-G.
Other names: short protein forms I438V.
Identifiers: ClinVar variation 1933415 (VCV001933415.5), dbSNP rs2535916889, ClinGen allele CA370922676.
Genomic context (GRCh38, chr8:31,083,741, plus strand): 5'-TTAATACTTTTTTTAAAGCATTTATCTCCCAATGATAATGAAAACGATACGTCCTATGTA[A>G]TTGAGAGTGATGAAGATTTAGAAATGGAGATGCTTAAGGTATGTTTACAATTATAAAAAT-3'
Protein context (NP_000544.2, residues 428-448): NDNENDTSYV[Ile438Val]ESDEDLEMEM